The following is an entry in ClinVar:

NM_031935.3(HMCN1):c.3575G>T (p.Cys1192Phe)

Gene: HMCN1 (hemicentin 1; plus strand). Cytogenetic location: 1q31.1.
Variant type: single nucleotide variant.
Coding change: c.3575G>T on transcript NM_031935.3 (MANE Select); coding-DNA position 3575, G replaced by T.
Protein change: p.Cys1192Phe; replaces cysteine 1192 with phenylalanine.
Molecular consequence: missense variant.
Genome position (GRCh38, 1-based): chr1:185,994,884, G>T. VCF-style: chr1-185994884-G-T. GRCh37 (hg19) VCF-style: chr1-185964016-G-T.
Other names: short protein forms C1192F.
Identifiers: ClinVar variation 4724079 (VCV004724079.1).

ClinVar aggregate classification (germline): Uncertain significance (1 of 4 stars; one submission).

gnomAD v4.1: 1 of 1,613,770 alleles (0.000062%); highest among the groups gnomAD compares: Non-Finnish European, 0.000085%; no homozygotes.

Submission:

Labcorp Genetics (formerly Invitae), Labcorp
Classification: Uncertain significance. Last evaluated: 2025-12-25. Review status: criteria provided, single submitter. Criteria: Invitae Variant Classification Sherloc (09022015). Collection method: clinical testing. Allele origin: germline.
Comment: This sequence change replaces cysteine, which is neutral and slightly polar, with phenylalanine, which is neutral and non-polar, at codon 1192 of the HMCN1 protein (p.Cys1192Phe). This variant is not present in population databases (gnomAD no frequency). This variant has not been reported in the literature in individuals affected with HMCN1-related conditions. An algorithm developed to predict the effect of missense changes on protein structure and function (PolyPhen-2) suggests that this variant is likely to be disruptive. In summary, the available evidence is currently insufficient to determine the role of this variant in disease. Therefore, it has been classified as a Variant of Uncertain Significance.